The following is an entry in ClinVar:

NM_000138.5(FBN1):c.4453T>C (p.Cys1485Arg)

Gene: FBN1 (fibrillin 1; minus strand). Cytogenetic location: 15q21.1.
Variant type: single nucleotide variant.
Coding change: c.4453T>C on transcript NM_000138.5 (MANE Select); coding-DNA position 4453, T replaced by C.
Protein change: p.Cys1485Arg; replaces cysteine 1485 with arginine.
Molecular consequence: missense variant.
Genome position (GRCh38, 1-based): chr15:48,470,640, A>G on the plus strand (T>C on the coding strand, the complement: FBN1 is on the minus strand). VCF-style: chr15-48470640-A-G. GRCh37 (hg19) VCF-style: chr15-48762837-A-G.
Other names: short protein forms C1485R.
Identifiers: ClinVar variation 180354 (VCV000180354.12), dbSNP rs730880101, ClinGen allele CA015083.

ClinVar aggregate classification (germline): Pathogenic/Likely pathogenic. Review status: criteria provided, multiple submitters, no conflicts (2 of 4 stars). 2 submissions from 2 submitters: Pathogenic (1); Likely pathogenic (1). Last evaluated 2025-07-07.

Conditions:
Marfan syndrome (MFS). Also called: Marfan syndrome, classic; FBN1-Related Marfan Syndrome; Marfan syndrome type 1; Marfan's syndrome; MARFAN SYNDROME, TYPE I. Identifiers: Orphanet 284963, Orphanet 558, MedGen C0024796, MONDO:0007947, OMIM 154700.
Familial thoracic aortic aneurysm and aortic dissection (TAAD). Also called: Thoracic aortic aneurysms and dissections. Identifiers: Orphanet 91387, MedGen C4707243, MONDO:0019625.

Submissions (2):

Dasa
Classification: Likely pathogenic. Last evaluated: 2025-07-07. Review status: criteria provided, single submitter. Criteria: DASA Assertion Criteria. Collection method: clinical testing. Allele origin: germline.
Comment: NM_000138.5(FBN1):c.4453T>C (p.Cys1485Arg) is a missense variant that results in the substitution of cysteine with arginine. The affected residue or protein region has prior evidence supporting clinical relevance. This variant has been reported in individuals with FBN1-related disorders (PMID: 17657824). Also, this variant is absent from population databases. Computational evidence supports a deleterious effect. Based on the currently available evidence, this variant is classified as likely pathogenic.

Labcorp Genetics (formerly Invitae), Labcorp
Classification: Pathogenic for Marfan syndrome; Familial thoracic aortic aneurysm and aortic dissection. Last evaluated: 2023-10-23. Review status: criteria provided, single submitter. Criteria: Invitae Variant Classification Sherloc (09022015). Collection method: clinical testing. Allele origin: germline.
Comment: This sequence change replaces cysteine, which is neutral and slightly polar, with arginine, which is basic and polar, at codon 1485 of the FBN1 protein (p.Cys1485Arg). This variant is not present in population databases (gnomAD no frequency). This missense change has been observed in individuals with Marfan syndrome (PMID: 17657824; Invitae). ClinVar contains an entry for this variant (Variation ID: 180354). Advanced modeling of protein sequence and biophysical properties (such as structural, functional, and spatial information, amino acid conservation, physicochemical variation, residue mobility, and thermodynamic stability) performed at Invitae indicates that this missense variant is expected to disrupt FBN1 protein function. This variant affects a cysteine residue in the EGF-like, TGFBP or hybrid motif domains of FBN1. Cysteine residues are believed to be involved in intramolecular disulfide bridges and have been shown to be important for FBN1 protein structure (PMID: 16905551, 19349279). In addition, missense substitutions affecting cysteine residues within these domains are significantly overrepresented among patients with Marfan syndrome (PMID: 16571647, 17701892). For these reasons, this variant has been classified as Pathogenic.

Literature cited by the submitters: PubMed 17657824 (cited by Dasa and Labcorp Genetics (formerly Invitae), Labcorp); PubMed 16905551 (cited by Labcorp Genetics (formerly Invitae), Labcorp); PubMed 19349279 (cited by Labcorp Genetics (formerly Invitae), Labcorp); PubMed 16571647 (cited by Labcorp Genetics (formerly Invitae), Labcorp); PubMed 17701892 (cited by Labcorp Genetics (formerly Invitae), Labcorp).